The following is an entry in ClinVar:

ClinVar aggregate classification (germline): Uncertain significance (1 of 4 stars; one submission).

Submission:

Ambry Genetics
Classification: Uncertain significance. Last evaluated: 2026-05-02. Review status: criteria provided, single submitter. Criteria: Ambry Variant Classification Scheme 2023. Collection method: clinical testing. Allele origin: germline.
Comment: The p.Q995R variant (also known as c.2984A>G), located in coding exon 11 of the WNK2 gene, results from an A to G substitution at nucleotide position 2984. The glutamine at codon 995 is replaced by arginine, an amino acid with highly similar properties. This amino acid position is conserved. In addition, this alteration is predicted to be tolerated by in silico analysis. Based on the available evidence, the clinical significance of this variant remains unclear.

NM_006648.4(WNK2):c.2984A>G (p.Gln995Arg)

Gene: WNK2 (WNK lysine deficient protein kinase 2; plus strand). Cytogenetic location: 9q22.31.
Variant type: single nucleotide variant.
Coding change: c.2984A>G on transcript NM_006648.4 (MANE Select); coding-DNA position 2984, A replaced by G.
Protein change: p.Gln995Arg; replaces glutamine 995 with arginine.
Molecular consequence: missense variant.
Genome position (GRCh38, 1-based): chr9:93,259,532, A>G. VCF-style: chr9-93259532-A-G. GRCh37 (hg19) VCF-style: chr9-96021814-A-G.
Other names: c.2984A>G, p.Gln995Arg (NM_001282394.3); short protein forms Q995R.
Identifiers: ClinVar variation 4866641 (VCV004866641.1).
Genomic context (GRCh38, chr9:93,259,532, plus strand): 5'-CCCCTCAACCTGTGCTGCCCCCGCAACCCATGCTGCCCCCACAACCTGTGCTGCCCCCGC[A>G]GCCGGCACTGCCTGTGCGCCCTGAGCCCCTCCAGCCCCACCTTCCTGAACAAGCTGCTCC-3'
Protein context (NP_006639.3, residues 985-1005): MLPPQPVLPP[Gln995Arg]PALPVRPEPL